The following is an entry in ClinVar:

NM_002473.6(MYH9):c.5788G>T (p.Val1930Leu)

Gene: MYH9 (myosin heavy chain 9; minus strand). Cytogenetic location: 22q12.3.
Variant type: single nucleotide variant.
Coding change: c.5788G>T on transcript NM_002473.6 (MANE Select); coding-DNA position 5788, G replaced by T.
Protein change: p.Val1930Leu; replaces valine 1930 with leucine.
Molecular consequence: missense variant.
Genome position (GRCh38, 1-based): chr22:36,282,763, C>A on the plus strand (G>T on the coding strand, the complement: MYH9 is on the minus strand). VCF-style: chr22-36282763-C-A. GRCh37 (hg19) VCF-style: chr22-36678809-C-A.
Other names: c.5788G>T (NM_002473.4); short protein forms V1930L.
Identifiers: ClinVar variation 1699301 (VCV001699301.6), dbSNP rs142565774, ClinGen allele CA10208903.

ClinVar aggregate classification (germline): Conflicting classifications of pathogenicity. Review status: criteria provided, conflicting classifications (1 of 4 stars). 3 submissions from 3 submitters: Uncertain significance (2); Benign (1). Last evaluated 2025-07-02.

Conditions:
Macrothrombocytopenia and granulocyte inclusions with or without nephritis or sensorineural hearing loss (MATINS). Also called: BLEEDING DISORDER, PLATELET-TYPE, 6; MAY-HEGGLIN ANOMALY; DOHLE LEUKOCYTE INCLUSIONS WITH GIANT PLATELETS; MACROTHROMBOCYTOPENIA WITH LEUKOCYTE INCLUSIONS; SEBASTIAN PLATELET SYNDROME; MACROTHROMBOCYTOPENIA WITH DISPERSED LEUKOCYTIC INCLUSIONS. Identifiers: Orphanet 182050, MedGen C5200934, MONDO:0015912, OMIM 155100.

gnomAD v4.1: 6 of 1,612,272 alleles (0.00037%); highest among the groups gnomAD compares: East Asian, 0.0045%; no homozygotes.

Submissions (3):

Labcorp Genetics (formerly Invitae), Labcorp
Classification: Benign. Last evaluated: 2025-07-02. Review status: criteria provided, single submitter. Criteria: Invitae Variant Classification Sherloc (09022015). Collection method: clinical testing. Allele origin: germline.

GeneDx
Classification: Uncertain significance. Last evaluated: 2025-03-02. Review status: criteria provided, single submitter. Criteria: GeneDx Variant Classification Process June 2021. Collection method: clinical testing. Allele origin: germline. Affected: yes.
Comment: In silico analysis indicates that this missense variant does not alter protein structure/function; Has not been previously published as pathogenic or benign to our knowledge

Victorian Clinical Genetics Services, Murdoch Childrens Research Institute
Classification: Uncertain significance for Macrothrombocytopenia and granulocyte inclusions with or without nephritis or sensorineural hearing loss. Last evaluated: 2022-06-24. Review status: criteria provided, single submitter. Criteria: ACMG Guidelines, 2015. Collection method: clinical testing. Allele origin: germline. Inheritance: Autosomal dominant inheritance.
Comment: Based on the classification scheme VCGS_Germline_v1.3.4, this variant is classified as VUS-3C. Following criteria are met: 0103 - Dominant negative or loss of function are potential mechanisms of disease in this gene and are associated with deafness, autosomal dominant 17 (MIM#603622), and macrothrombocytopenia and granulocyte inclusions with or without nephritis or sensorineural hearing loss (MIM#155100). Although the disease mechanism is not well understood, several hypotheses have been proposed including variants that are partially deficient but not complete loss of function, variants that cause various degrees of protein aggregation with deleterious effect, and variants that impair the function of other myosins when copolymerised (PMID: 32545517). (I) 0107 - This gene is associated with autosomal dominant disease. (I) 0115 - Variants in this gene are known to have variable expressivity with regard to age of onset, severity of sensorineural deafness, and the presence or absence of glomerular nephropathy, presenile cataract, and alterations of liver enzymes (PMID: 20301740). (I) 0200 - Variant is predicted to result in a missense amino acid change from valine to leucine. (I) 0251 - This variant is heterozygous. (I) 0302 - Variant is present in gnomAD <0.001 for a dominant condition (v2: 3 heterozygotes, 0 homozygotes). (SP) 0309 - An alternative amino acid change at the same position has been observed in gnomAD (v3: 16 heterozygotes, 0 homozygotes). (I) 0503 - Missense variant consistently predicted to be tolerated by multiple in silico tools or not conserved in placental mammals with a minor amino acid change. (SB) 0604 - Variant is not located in an established domain, motif, hotspot or informative constraint region. (I) 0708 - Another missense variant comparable to the one identified in this case has conflicting previous evidence for pathogenicity. The p.(Val1930Met) variant has been classified as likely benign and a VUS in ClinVar and reported in a patient with dilated cardiomyopathy as a VUS (PMID: 32746448). (I) 0807 - This variant has no previous evidence of pathogenicity. (I) 0905 - No published segregation evidence has been identified for this variant. (I) 1007 - No published functional evidence has been identified for this variant. (I) 1208 - Inheritance information for this variant is not currently available in this individual. (I) Legend: (SP) - Supporting pathogenic, (I) - Information, (SB) - Supporting benign

Literature cited by the submitters: PubMed 20301740 (cited by Victorian Clinical Genetics Services, Murdoch Childrens Research Institute); PubMed 32545517 (cited by Victorian Clinical Genetics Services, Murdoch Childrens Research Institute); PubMed 32746448 (cited by Victorian Clinical Genetics Services, Murdoch Childrens Research Institute).